The following is an entry in ClinVar:

ClinVar aggregate classification (germline): Benign (0 of 4 stars; one submission).

Conditions:
IQGAP3-related disorder. Also called: IQGAP3-related condition.

Allele frequency attached by ClinVar (database versions not stated): 1000 Genomes Project 30x 0.01577; 1000 Genomes Project 0.01617; TOPMed 0.02541; ESP Exome Variant Server 0.02676; gnomAD 0.02695; ExAC 0.02951; gnomAD exomes 0.03346.
gnomAD v4.1: 53,097 of 1,608,718 alleles (3.3%); highest among the groups gnomAD compares: Middle Eastern, 4.3%; 1,102 homozygotes.

Submission:

PreventionGenetics, part of Exact Sciences
Classification: Benign for IQGAP3-related condition. Last evaluated: 2019-02-19. Review status: no assertion criteria provided. Collection method: clinical testing. Allele origin: germline.
Comment: This variant is classified as benign based on ACMG/AMP sequence variant interpretation guidelines (Richards et al. 2015 PMID: 25741868, with internal and published modifications).

NM_178229.5(IQGAP3):c.1185C>T (p.Asp395=)

Gene: IQGAP3 (IQ motif containing GTPase activating protein 3; minus strand). Cytogenetic location: 1q22.
Variant type: single nucleotide variant.
Coding change: c.1185C>T on transcript NM_178229.5 (MANE Select); coding-DNA position 1185, C replaced by T.
Protein change: p.Asp395=; no amino-acid change (aspartic acid 395 retained).
Molecular consequence: synonymous variant.
Genome position (GRCh38, 1-based): chr1:156,556,638, G>A on the plus strand (C>T on the coding strand, the complement: IQGAP3 is on the minus strand). VCF-style: chr1-156556638-G-A. GRCh37 (hg19) VCF-style: chr1-156526430-G-A.
Identifiers: ClinVar variation 3056677 (VCV003056677.2), dbSNP rs35160849, ClinGen allele CA1161713.